The following is an entry in ClinVar:

ClinVar aggregate classification (germline): Uncertain significance (1 of 4 stars; one submission).

Submission:

Labcorp Genetics (formerly Invitae), Labcorp
Classification: Uncertain significance. Last evaluated: 2023-07-12. Review status: criteria provided, single submitter. Criteria: Invitae Variant Classification Sherloc (09022015). Collection method: clinical testing. Allele origin: germline.
Comment: In summary, the available evidence is currently insufficient to determine the role of this variant in disease. Therefore, it has been classified as a Variant of Uncertain Significance. An algorithm developed to predict the effect of missense changes on protein structure and function (PolyPhen-2) suggests that this variant is likely to be tolerated. This variant has not been reported in the literature in individuals affected with REST-related conditions. This variant is not present in population databases (gnomAD no frequency). This sequence change replaces proline, which is neutral and non-polar, with histidine, which is basic and polar, at codon 669 of the REST protein (p.Pro669His).

NM_005612.5(REST):c.2006C>A (p.Pro669His)

Gene: REST (RE1 silencing transcription factor; plus strand). Cytogenetic location: 4q12.
Variant type: single nucleotide variant.
Coding change: c.2006C>A on transcript NM_005612.5 (MANE Select); coding-DNA position 2006, C replaced by A.
Protein change: p.Pro669His; replaces proline 669 with histidine.
Molecular consequence: missense variant.
Genome position (GRCh38, 1-based): chr4:56,930,864, C>A. VCF-style: chr4-56930864-C-A. GRCh37 (hg19) VCF-style: chr4-57797030-C-A.
Other names: c.2006C>A, p.Pro669His (NM_001193508.2, NM_001363453.3); short protein forms P669H.
Identifiers: ClinVar variation 2741892 (VCV002741892.3), dbSNP rs2475851466, ClinGen allele CA357007880.